The following is an entry in ClinVar:

NM_000400.4(ERCC2):c.2152A>G (p.Lys718Glu)

Gene: ERCC2 (ERCC excision repair 2, TFIIH core complex helicase subunit; minus strand). Cytogenetic location: 19q13.32.
Variant type: single nucleotide variant.
Coding change: c.2152A>G on transcript NM_000400.4 (MANE Select); coding-DNA position 2152, A replaced by G.
Protein change: p.Lys718Glu; replaces lysine 718 with glutamic acid.
Molecular consequence: missense variant.
Genome position (GRCh38, 1-based): chr19:45,352,247, T>C on the plus strand (A>G on the coding strand, the complement: ERCC2 is on the minus strand). VCF-style: chr19-45352247-T-C. GRCh37 (hg19) VCF-style: chr19-45855505-T-C.
Other names: short protein forms K718E.
Identifiers: ClinVar variation 3231677 (VCV003231677.1), dbSNP rs1225327240, ClinGen allele CA406362024.

ClinVar aggregate classification (germline): Uncertain significance (1 of 4 stars; one submission).

Conditions:
Inborn genetic diseases. Identifiers: MedGen C0950123, MeSH D030342.

gnomAD v4.1: 1 of 1,614,058 alleles (0.000062%); highest among the groups gnomAD compares: Non-Finnish European, 0.000085%; no homozygotes.

Submission:

Ambry Genetics
Classification: Uncertain significance for Inborn genetic diseases. Last evaluated: 2023-10-16. Review status: criteria provided, single submitter. Criteria: Ambry Variant Classification Scheme 2023. Collection method: clinical testing. Allele origin: germline.
Comment: The p.K718E variant (also known as c.2152A>G), located in coding exon 22 of the ERCC2 gene, results from an A to G substitution at nucleotide position 2152. The lysine at codon 718 is replaced by glutamic acid, an amino acid with similar properties. This amino acid position is conserved. In addition, the in silico prediction for this alteration is inconclusive. Since supporting evidence is limited at this time, the clinical significance of this alteration remains unclear.